The following is an entry in ClinVar:

NM_001267550.2(TTN):c.9548G>A (p.Gly3183Asp)

Gene: TTN (titin; minus strand). Cytogenetic location: 2q31.2.
Variant type: single nucleotide variant.
Coding change: c.9548G>A on transcript NM_001267550.2 (MANE Select); coding-DNA position 9548, G replaced by A.
Protein change: p.Gly3183Asp; replaces glycine 3183 with aspartic acid.
Molecular consequence: missense variant.
Genome position (GRCh38, 1-based): chr2:178,766,536, C>T on the plus strand (G>A on the coding strand, the complement: TTN is on the minus strand). VCF-style: chr2-178766536-C-T. GRCh37 (hg19) VCF-style: chr2-179631263-C-T.
Other names: c.9548G>A, p.Gly3183Asp (NM_001256850.1, NM_133378.4, NM_133379.5); c.9410G>A, p.Gly3137Asp (NM_003319.4, NM_133432.3, NM_133437.4); short protein forms G3137D, G3183D.
Identifiers: ClinVar variation 1766889 (VCV001766889.2), dbSNP rs772678867, ClinGen allele CA2004294.

ClinVar aggregate classification (germline): Uncertain significance (1 of 4 stars; one submission).

Conditions:
Cardiovascular phenotype. Identifiers: MedGen CN230736.

Allele frequency attached by ClinVar (database versions not stated): gnomAD exomes below 0.00001; ExAC 0.00001.
gnomAD v4.1: 6 of 1,614,044 alleles (0.00037%); highest among the groups gnomAD compares: East Asian, 0.0022%; no homozygotes.

Submission:

Ambry Genetics
Classification: Uncertain significance for Cardiovascular phenotype. Last evaluated: 2018-05-07. Review status: criteria provided, single submitter. Criteria: Ambry Variant Classification Scheme 2023. Collection method: clinical testing. Allele origin: germline.
Comment: The p.G3137D variant (also known as c.9410G>A), located in coding exon 39 of the TTN gene, results from a G to A substitution at nucleotide position 9410. The glycine at codon 3137 is replaced by aspartic acid, an amino acid with similar properties. This amino acid position is highly conserved in available vertebrate species. In addition, this alteration is predicted to be tolerated by in silico analysis. Since supporting evidence is limited at this time, the clinical significance of this alteration remains unclear.